The following is an entry in ClinVar:

NM_024577.4(SH3TC2):c.2836G>T (p.Ala946Ser)

Gene: SH3TC2 (SH3 domain and tetratricopeptide repeats 2; minus strand). Cytogenetic location: 5q32.
Variant type: single nucleotide variant.
Coding change: c.2836G>T on transcript NM_024577.4 (MANE Select); coding-DNA position 2836, G replaced by T.
Protein change: p.Ala946Ser; replaces alanine 946 with serine.
Molecular consequence: missense variant.
Genome position (GRCh38, 1-based): chr5:149,026,896, C>A on the plus strand (G>T on the coding strand, the complement: SH3TC2 is on the minus strand). VCF-style: chr5-149026896-C-A. GRCh37 (hg19) VCF-style: chr5-148406459-C-A.
Other names: short protein forms A946S.
Identifiers: ClinVar variation 999487 (VCV000999487.8), dbSNP rs765951062, ClinGen allele CA3498927.
Genomic context (GRCh38, chr5:149,026,896, plus strand): 5'-CCCAGCAGCATGGGACATACTTACTCTTTAGATGTCGATGCCTTAAGCCAAACAGCAATG[C>A]CATTTCATAACAAAGAAGGCCATGGGTCAGCTGGTGTCCAGACACCAGAACTTGGGCCAA-3'
Protein context (NP_078853.2, residues 936-956): LTHGLLCYEM[Ala946Ser]LLFGLRHRHL

ClinVar aggregate classification (germline): Uncertain significance (1 of 4 stars; one submission).

Conditions:
Charcot-Marie-Tooth disease type 4. Also called: Charcot-Marie-Tooth disease, type IV; Charcot-Marie-Tooth, Type 4. Identifiers: Orphanet 64749, MedGen C4082197, MONDO:0018995.

Allele frequency attached by ClinVar (database versions not stated): ExAC 0.00001.

Submission:

Labcorp Genetics (formerly Invitae), Labcorp
Classification: Uncertain significance for Charcot-Marie-Tooth disease type 4. Last evaluated: 2020-02-17. Review status: criteria provided, single submitter. Criteria: Invitae Variant Classification Sherloc (09022015). Collection method: clinical testing. Allele origin: germline.
Comment: This sequence change replaces alanine with serine at codon 946 of the SH3TC2 protein (p.Ala946Ser). The alanine residue is highly conserved and there is a moderate physicochemical difference between alanine and serine. This variant is present in population databases (rs765951062, ExAC 0.02%). This variant has not been reported in the literature in individuals with SH3TC2-related conditions. Algorithms developed to predict the effect of missense changes on protein structure and function are either unavailable or do not agree on the potential impact of this missense change (SIFT: "Tolerated"; PolyPhen-2: "Possibly Damaging"; Align-GVGD: "Class C0"). In summary, the available evidence is currently insufficient to determine the role of this variant in disease. Therefore, it has been classified as a Variant of Uncertain Significance.